The following is an entry in ClinVar:

ClinVar aggregate classification (germline): Uncertain significance. Review status: criteria provided, multiple submitters, no conflicts (2 of 4 stars). 6 submissions from 6 submitters: Uncertain significance (5). 1 of the submissions does not count toward it. Last evaluated 2025-11-21.

Conditions:
Familial long QT syndrome (RWS). Also called: Romano-Ward syndrome; VENTRICULAR FIBRILLATION WITH PROLONGED QT INTERVAL; Congenital long QT syndrome. Identifiers: Orphanet 768, MedGen C1141890, MONDO:0019171.
Cardiovascular phenotype. Identifiers: MedGen CN230736.
Long QT syndrome (LQTS). Identifiers: MedGen C0023976, MeSH D008133, MONDO:0002442. Disease mechanism: loss of function. Inheritance: Various modes of inheritance.

Allele frequency attached by ClinVar (database versions not stated): ExAC 0.00001; gnomAD exomes 0.00001.
gnomAD v4.1: 7 of 1,602,982 alleles (0.00044%); highest among the groups gnomAD compares: East Asian, 0.0022%; no homozygotes.

Submissions (6):

Labcorp Genetics (formerly Invitae), Labcorp
Classification: Uncertain significance for Long QT syndrome. Last evaluated: 2025-11-21. Review status: criteria provided, single submitter. Criteria: Invitae Variant Classification Sherloc (09022015). Collection method: clinical testing. Allele origin: germline.
Comment: This sequence change replaces arginine, which is basic and polar, with cysteine, which is neutral and slightly polar, at codon 894 of the KCNH2 protein (p.Arg894Cys). This variant is present in population databases (rs199473433, gnomAD 0.006%). This missense change has been observed in individual(s) with LQTS (PMID: 19716085, 24631775, 28532774; internal data). ClinVar contains an entry for this variant (Variation ID: 67424). An algorithm developed to predict the effect of missense changes on protein structure and function (PolyPhen-2) suggests that this variant is likely to be disruptive. Algorithms developed to predict the effect of sequence changes on RNA splicing suggest that this variant may create or strengthen a splice site. In summary, the available evidence is currently insufficient to determine the role of this variant in disease. Therefore, it has been classified as a Variant of Uncertain Significance.

All of Us Research Program, National Institutes of Health
Classification: Uncertain significance for Long QT syndrome. Last evaluated: 2023-10-27. Review status: criteria provided, single submitter. Criteria: ACMG Guidelines, 2015. Collection method: clinical testing. Allele origin: germline. Inheritance: Autosomal dominant inheritance. Observed: 2 variant alleles, 2 heterozygotes.
Comment: This missense variant replaces arginine with cysteine at codon 894 of the KCNH2 protein. Computational prediction suggests that this variant may have deleterious impact on protein structure and function (internally defined REVEL score threshold >= 0.7, PMID: 27666373). To our knowledge, functional studies have not been reported for this variant. This variant has been reported in two individuals affected with long QT syndrome (PMID: 28532774, ClinVar SCV000935380.5), in an individual suspected of having long QT syndrome (PMID: 19716085), and in an individual affected with sudden unexplained death (PMID: 24631775). This variant has been identified in 2/244528 chromosomes in the general population by the Genome Aggregation Database (gnomAD). The available evidence is insufficient to determine the role of this variant in disease conclusively. Therefore, this variant is classified as a Variant of Uncertain Significance.

This study involves interpretation of variants in research participants for the purpose of population health screening. Participant phenotype was not available at the time of variant classification. Additional details can be found in publication PMID: 35346344, PMCID: PMC8962531

CeGaT Center for Human Genetics Tuebingen
Classification: Uncertain significance. Last evaluated: 2023-04-01. Review status: criteria provided, single submitter. Criteria: CeGaT Center For Human Genetics Tuebingen Variant Classification Criteria Version 2. Collection method: clinical testing. Allele origin: germline. Affected: yes. Observed: 1 variant allele.
Comment: KCNH2: PM5, PM2:Supporting, PP2, PP3

Ambry Genetics
Classification: Uncertain significance for Cardiovascular phenotype. Last evaluated: 2023-02-08. Review status: criteria provided, single submitter. Criteria: Ambry General Variant Classification Scheme_2022. Collection method: clinical testing. Allele origin: germline.
Comment: The p.R894C variant (also known as c.2680C>T), located in coding exon 11 of the KCNH2 gene, results from a C to T substitution at nucleotide position 2680. The arginine at codon 894 is replaced by cysteine, an amino acid with highly dissimilar properties. This alteration has been reported in long QT syndrome cohorts and a sudden unexplained death cohort; however clinical details were limited in some cases (Kapplinger JD et al. Heart Rhythm, 2009 Sep;6:1297-303; Wang D et al. Forensic Sci Int, 2014 Apr;237:90-9; Ebrahim MA et al. Am J Cardiol, 2017 Jul;120:256-261). This amino acid position is highly conserved in available vertebrate species. In addition, this alteration is predicted to be deleterious by in silico analysis. Since supporting evidence is limited at this time, the clinical significance of this alteration remains unclear.

GeneDx
Classification: Uncertain significance. Last evaluated: 2018-10-08. Review status: criteria provided, single submitter. Criteria: GeneDx Variant Classification (06012015). Collection method: clinical testing. Allele origin: germline. Affected: yes.
Comment: The R894C variant of uncertain significance in the KCNH2 gene has been reported in one individual referred for LQTS testing (Kapplinger et al., 2009). The R894C variant is not observed at a significant frequency in large population cohorts (Lek et al., 2016). The R894C variant is a non-conservative amino acid substitution, which is likely to impact secondary protein structure as these residues differ in polarity, charge, size and/or other properties. In-silico analyses, including protein predictors and evolutionary conservation, support a deleterious effect. Moreover, a majority of splice-prediction algorithms predict that R894C creates a new cryptic splice donor site located upstream of natural splice donor site in intron 7; however, the new upstream donor site is predicted to be weaker than natural site. Lastly, a variant at this same residue (R894L) has been reported in HGMD in association with LQTS (Stenson et al., 2014), although the clinical significance of this variant has not been definitively determined. Therefore, based on the currently available information, it is unclear whether this variant is pathogenic or rare benign.

Cardiovascular Biomedical Research Unit, Royal Brompton & Harefield NHS Foundation Trust
No classification provided. Condition: Familial long QT syndrome. Review status: no classification provided. Collection method: literature only. Allele origin: germline. Not counted in ClinVar's aggregate classification.
Comment: This variant has been reported as associated with Long QT syndrome in the following publications (PMID:19716085). This is a literature report, and does not necessarily reflect the clinical interpretation of the Imperial College / Royal Brompton Cardiovascular Genetics laboratory.

Literature cited by the submitters: PubMed 19716085 (cited by 4 submitters); PubMed 24631775 (cited by 3 submitters); PubMed 28532774 (cited by 3 submitters); PubMed 22581653 (cited by Cardiovascular Biomedical Research Unit, Royal Brompton & Harefield NHS Foundation Trust).

NM_000238.4(KCNH2):c.2680C>T (p.Arg894Cys)

Gene: KCNH2 (potassium voltage-gated channel subfamily H member 2; minus strand). Cytogenetic location: 7q36.1.
Variant type: single nucleotide variant.
Coding change: c.2680C>T on transcript NM_000238.4 (MANE Select); coding-DNA position 2680, C replaced by T.
Protein change: p.Arg894Cys; replaces arginine 894 with cysteine.
Molecular consequence: missense variant. On other transcripts: non-coding transcript variant (2).
Genome position (GRCh38, 1-based): chr7:150,948,456, G>A on the plus strand (C>T on the coding strand, the complement: KCNH2 is on the minus strand). VCF-style: chr7-150948456-G-A. GRCh37 (hg19) VCF-style: chr7-150645544-G-A.
Other names: p.R894C:CGC>TGC; c.2680C>T (LRG_288t1); c.1660C>T, p.Arg554Cys (NM_172057.3); c.2392C>T, p.Arg798Cys (NM_001406753.1); short protein forms R554C, R894C, R798C.
Identifiers: ClinVar variation 67424 (VCV000067424.35), dbSNP rs199473433, ClinGen allele CA007127.